The following is an entry in ClinVar:

ClinVar aggregate classification (germline): Uncertain significance. Review status: criteria provided, multiple submitters, no conflicts (2 of 4 stars). 2 submissions from 2 submitters: Uncertain significance (2). Last evaluated 2024-02-26.

Conditions:
Inborn genetic diseases. Identifiers: MedGen C0950123, MeSH D030342.
Cone-rod dystrophy 6 (CORD6). Also called: Cone dystrophy progressive; RETINAL CONE DYSTROPHY 2. Identifiers: Orphanet 1872, MedGen C1866293, MONDO:0011143, OMIM 601777.
Leber congenital amaurosis 1 (LCA1). Also called: Congenital absence of the rods and cones; Leber's congenital tapetoretinal degeneration; Leber's congenital tapetoretinal dysplasia; RETINAL BLINDNESS, CONGENITAL; AMAUROSIS CONGENITA OF LEBER I. Identifiers: Orphanet 65, MedGen C2931258, MONDO:0008764, OMIM 204000.

Allele frequency attached by ClinVar (database versions not stated): TOPMed 0.00005; 1000 Genomes Project 30x 0.00031.
gnomAD v4.1: 31 of 1,613,612 alleles (0.0019%); highest among the groups gnomAD compares: East Asian, 0.062%; no homozygotes.

Submissions (2):

Labcorp Genetics (formerly Invitae), Labcorp
Classification: Uncertain significance for Leber congenital amaurosis 1; Cone-rod dystrophy 6. Last evaluated: 2024-02-26. Review status: criteria provided, single submitter. Criteria: Invitae Variant Classification Sherloc (09022015). Collection method: clinical testing. Allele origin: germline.
Comment: This sequence change replaces proline, which is neutral and non-polar, with arginine, which is basic and polar, at codon 698 of the GUCY2D protein (p.Pro698Arg). This variant is present in population databases (rs200128473, gnomAD 0.1%). This variant has not been reported in the literature in individuals affected with GUCY2D-related conditions. ClinVar contains an entry for this variant (Variation ID: 1005049). Advanced modeling of protein sequence and biophysical properties (such as structural, functional, and spatial information, amino acid conservation, physicochemical variation, residue mobility, and thermodynamic stability) performed at Invitae indicates that this missense variant is not expected to disrupt GUCY2D protein function with a negative predictive value of 80%. In summary, the available evidence is currently insufficient to determine the role of this variant in disease. Therefore, it has been classified as a Variant of Uncertain Significance.

Ambry Genetics
Classification: Uncertain significance for Inborn genetic diseases. Last evaluated: 2022-11-18. Review status: criteria provided, single submitter. Criteria: Ambry Variant Classification Scheme 2023. Collection method: clinical testing. Allele origin: germline.

NM_000180.4(GUCY2D):c.2093C>G (p.Pro698Arg)

Gene: GUCY2D (guanylate cyclase 2D, retinal; plus strand). Cytogenetic location: 17p13.1.
Variant type: single nucleotide variant.
Coding change: c.2093C>G on transcript NM_000180.4 (MANE Select); coding-DNA position 2093, C replaced by G.
Protein change: p.Pro698Arg; replaces proline 698 with arginine.
Molecular consequence: missense variant.
Genome position (GRCh38, 1-based): chr17:8,012,586, C>G. VCF-style: chr17-8012586-C-G. GRCh37 (hg19) VCF-style: chr17-7915904-C-G.
Other names: c.2093C>G (NM_000180.3); short protein forms P698R.
Identifiers: ClinVar variation 1005049 (VCV001005049.9), dbSNP rs200128473, ClinGen allele CA8365988.
Genomic context (GRCh38, chr17:8,012,586, plus strand): 5'-TCGTACTCAAGATCACTGACCACGGCCACGGGAGACTGCTGGAAGCACAGAAGGTGCTAC[C>G]GGAGCCTCCCAGAGCGGAGGGTAAGAGTCCCCTGTGCAGACGAGGATCCACCGGGATCCC-3'
Protein context (NP_000171.1, residues 688-708): GRLLEAQKVL[Pro698Arg]EPPRAEDQLW